The following is an entry in ClinVar:

NM_152443.3(RDH12):c.227G>T (p.Gly76Val)

Genes: RDH12 (retinol dehydrogenase 12; plus strand), GPHN (gephyrin; plus strand). Cytogenetic location: 14q24.1.
Variant type: single nucleotide variant.
Coding change: c.227G>T on transcript NM_152443.3 (MANE Select); coding-DNA position 227, G replaced by T.
Protein change: p.Gly76Val; replaces glycine 76 with valine.
Molecular consequence: missense variant.
Genome position (GRCh38, 1-based): chr14:67,725,138, G>T. VCF-style: chr14-67725138-G-T. GRCh37 (hg19) VCF-style: chr14-68191855-G-T.
Other names: short protein forms G76V.
Identifiers: ClinVar variation 2754660 (VCV002754660.4), dbSNP rs2503798104, ClinGen allele CA390148558.
Genomic context (GRCh38, chr14:67,725,138, plus strand): 5'-CTTTTTTTGTCTTGGACCCAGGAGCCCGAGTCTATATTGCCTGCAGAGATGTACTGAAGG[G>T]GGAGTCTGCTGCCAGTGAAATCCGAGTGGATACAAAGAACTCCCAGGTGCTGGTGCGGAA-3'
Protein context (NP_689656.2, residues 66-86): VYIACRDVLK[Gly76Val]ESAASEIRVD

ClinVar aggregate classification (germline): Uncertain significance. Review status: criteria provided, multiple submitters, no conflicts (2 of 4 stars). 2 submissions from 2 submitters: Uncertain significance (2). Last evaluated 2024-05-06.

Conditions:
Leber congenital amaurosis 13 (LCA13). Identifiers: MedGen C2675186, MONDO:0012990, OMIM 612712.

Allele frequency attached by ClinVar (database versions not stated): gnomAD exomes below 0.00001.
gnomAD v4.1: 1 of 1,614,166 alleles (0.000062%); highest among the groups gnomAD compares: Non-Finnish European, 0.000085%; no homozygotes.

Submissions (2):

Women's Health and Genetics/Laboratory Corporation of America, LabCorp
Classification: Uncertain significance. Last evaluated: 2024-05-06. Review status: criteria provided, single submitter. Criteria: LabCorp Variant Classification Summary - May 2015. Collection method: clinical testing. Allele origin: germline.
Comment: Variant summary: RDH12 c.227G>T (p.Gly76Val) results in a non-conservative amino acid change in the encoded protein sequence. Five of five in-silico tools predict a damaging effect of the variant on protein function. The variant was absent in 251494 control chromosomes. The available data on variant occurrences in the general population are insufficient to allow any conclusion about variant significance. To our knowledge, no occurrence of c.227G>T in individuals affected with Leber Congenital Amaurosis and no experimental evidence demonstrating its impact on protein function have been reported. ClinVar contains an entry for this variant (Variation ID: 2754660). Based on the evidence outlined above, the variant was classified as uncertain significance.

Labcorp Genetics (formerly Invitae), Labcorp
Classification: Uncertain significance for Leber congenital amaurosis 13. Last evaluated: 2023-08-23. Review status: criteria provided, single submitter. Criteria: Invitae Variant Classification Sherloc (09022015). Collection method: clinical testing. Allele origin: germline.
Comment: This sequence change replaces glycine, which is neutral and non-polar, with valine, which is neutral and non-polar, at codon 76 of the RDH12 protein (p.Gly76Val). In summary, the available evidence is currently insufficient to determine the role of this variant in disease. Therefore, it has been classified as a Variant of Uncertain Significance. This variant disrupts the p.Gly76 amino acid residue in RDH12. Other variant(s) that disrupt this residue have been determined to be pathogenic (PMID: 30718709; Invitae). This suggests that this residue is clinically significant, and that variants that disrupt this residue are likely to be disease-causing. Advanced modeling of protein sequence and biophysical properties (such as structural, functional, and spatial information, amino acid conservation, physicochemical variation, residue mobility, and thermodynamic stability) performed at Invitae indicates that this missense variant is not expected to disrupt RDH12 protein function. This variant has not been reported in the literature in individuals affected with RDH12-related conditions. This variant is not present in population databases (gnomAD no frequency).

Literature cited by the submitters: PubMed 30718709 (cited by Labcorp Genetics (formerly Invitae), Labcorp).